The following is an entry in ClinVar:

NM_001844.5(COL2A1):c.4024A>G (p.Lys1342Glu)

Gene: COL2A1 (collagen type II alpha 1 chain; minus strand). Cytogenetic location: 12q13.11.
Variant type: single nucleotide variant.
Coding change: c.4024A>G on transcript NM_001844.5 (MANE Select); coding-DNA position 4024, A replaced by G.
Protein change: p.Lys1342Glu; replaces lysine 1342 with glutamic acid.
Molecular consequence: missense variant.
Genome position (GRCh38, 1-based): chr12:47,974,725, T>C on the plus strand (A>G on the coding strand, the complement: COL2A1 is on the minus strand). VCF-style: chr12-47974725-T-C. GRCh37 (hg19) VCF-style: chr12-48368508-T-C.
Other names: c.3817A>G, p.Lys1273Glu (NM_033150.3); short protein forms K1273E, K1342E.
Identifiers: ClinVar variation 1450809 (VCV001450809.6), dbSNP rs1480368696, ClinGen allele CA384535568.

ClinVar aggregate classification (germline): Uncertain significance (1 of 4 stars; one submission).

Allele frequency attached by ClinVar (database versions not stated): gnomAD exomes below 0.00001; gnomAD 0.00001.
gnomAD v4.1: 3 of 1,614,108 alleles (0.00019%); highest among the groups gnomAD compares: Admixed American, 0.0017%; no homozygotes.

Submission:

Labcorp Genetics (formerly Invitae), Labcorp
Classification: Uncertain significance. Last evaluated: 2022-05-20. Review status: criteria provided, single submitter. Criteria: Invitae Variant Classification Sherloc (09022015). Collection method: clinical testing. Allele origin: germline.
Comment: In summary, the available evidence is currently insufficient to determine the role of this variant in disease. Therefore, it has been classified as a Variant of Uncertain Significance. Advanced modeling of protein sequence and biophysical properties (such as structural, functional, and spatial information, amino acid conservation, physicochemical variation, residue mobility, and thermodynamic stability) performed at Invitae indicates that this missense variant is not expected to disrupt COL2A1 protein function. This variant has not been reported in the literature in individuals affected with COL2A1-related conditions. This variant is not present in population databases (gnomAD no frequency). This sequence change replaces lysine, which is basic and polar, with glutamic acid, which is acidic and polar, at codon 1342 of the COL2A1 protein (p.Lys1342Glu).